The following is an entry in ClinVar:

ClinVar aggregate classification (germline): Uncertain significance. Review status: criteria provided, multiple submitters, no conflicts (2 of 4 stars). 2 submissions from 2 submitters: Uncertain significance (2). Last evaluated 2026-07-29.

Submissions (2):

GeneDx
Classification: Uncertain significance. Last evaluated: 2026-07-29. Review status: criteria provided, single submitter. Criteria: GeneDx Variant Classification Process June 2021. Collection method: clinical testing. Allele origin: germline.
Comment: In-frame deletion of 3 amino acid(s) in a non-repeat region; Has not been previously published as pathogenic or benign to our knowledge

Labcorp Genetics (formerly Invitae), Labcorp
Classification: Uncertain significance. Last evaluated: 2023-12-11. Review status: criteria provided, single submitter. Criteria: Invitae Variant Classification Sherloc (09022015). Collection method: clinical testing. Allele origin: germline.
Comment: This variant, c.1415_1423dup, results in the insertion of 3 amino acid(s) of the TONSL protein (p.Glu472_Ala474dup), but otherwise preserves the integrity of the reading frame. The frequency data for this variant in the population databases is considered unreliable, as metrics indicate poor data quality at this position in the gnomAD database. This variant has not been reported in the literature in individuals affected with TONSL-related conditions. ClinVar contains an entry for this variant (Variation ID: 1412364). Experimental studies and prediction algorithms are not available or were not evaluated, and the functional significance of this variant is currently unknown. In summary, the available evidence is currently insufficient to determine the role of this variant in disease. Therefore, it has been classified as a Variant of Uncertain Significance.

NM_013432.5(TONSL):c.1406AGGAGGCGG[3] (p.469EEA[3])

Gene: TONSL (tonsoku like, DNA repair protein; minus strand). Cytogenetic location: 8q24.3.
Variant type: Microsatellite.
Coding change: c.1406AGGAGGCGG[3] on transcript NM_013432.5 (MANE Select); three copies in a row of the 9-base unit AGGAGGCGG starting at c.1406; the reference has two copies in a row; one copy, 9 bases duplicated; also written c.1415_1423dup.
Protein change: p.469EEA[3].
Molecular consequence: inframe insertion.
Genome position (GRCh38, 1-based): chr8:144,440,078-144,440,086, CCGCCTCCT duplicated on the plus strand (AGGAGGCGG on the coding strand, the reverse complement: TONSL is on the minus strand); duplicating any 9 consecutive bases within chr8:144,440,078-144,440,097 gives the same sequence; the position shown is the placement nearest the transcript's 3' end. VCF-style (leftmost placement, unchanged base first): chr8-144440077-G-GCCGCCTCCT. GRCh37 (hg19) VCF-style: chr8-145665460-G-GCCGCCTCCT.
Other names: c.1415_1423dup (NM_013432.4).
Identifiers: ClinVar variation 1412364 (VCV001412364.5), dbSNP rs534884350, ClinGen allele CA4943243.